The following is an entry in ClinVar:

ClinVar aggregate classification (germline): Uncertain significance (1 of 4 stars; one submission).

Conditions:
Autosomal recessive spinocerebellar ataxia 12. Also called: SPINOCEREBELLAR ATAXIA WITH MENTAL RETARDATION AND EPILEPSY. Identifiers: Orphanet 284282, MedGen C3280452, MONDO:0013687, OMIM 614322.
Developmental and epileptic encephalopathy, 1 (DEE1). Also called: X-linked infantile spasms; West's syndrome; Tonic spasms with clustering, arrest of psychomotor development and hypsarrhythmia on EEG; X-Linked Infantile Spasm Syndrome; OHTAHARA SYNDROME, X-LINKED; Epileptic encephalopathy, early infantile, 1. Identifiers: MedGen C3463992, MONDO:0010632, OMIM 308350. Disease mechanism: loss of function.

Submission:

Labcorp Genetics (formerly Invitae), Labcorp
Classification: Uncertain significance for Developmental and epileptic encephalopathy, 1; Autosomal recessive spinocerebellar ataxia 12. Last evaluated: 2020-08-30. Review status: criteria provided, single submitter. Criteria: Invitae Variant Classification Sherloc (09022015). Collection method: clinical testing. Allele origin: germline.
Comment: This variant is not present in population databases (ExAC no frequency). In summary, the available evidence is currently insufficient to determine the role of this variant in disease. Therefore, it has been classified as a Variant of Uncertain Significance. Algorithms developed to predict the effect of missense changes on protein structure and function are either unavailable or do not agree on the potential impact of this missense change (SIFT: "Not Available"; PolyPhen-2: "Probably Damaging"; Align-GVGD: "Not Available"). This variant has not been reported in the literature in individuals with WWOX-related conditions. This sequence change replaces valine with isoleucine at codon 32 of the WWOX protein (p.Val32Ile). The valine residue is highly conserved and there is a small physicochemical difference between valine and isoleucine.

NM_016373.4(WWOX):c.94G>A (p.Val32Ile)

Gene: WWOX (WW domain containing oxidoreductase; plus strand). Cytogenetic location: 16q23.1.
Variant type: single nucleotide variant.
Coding change: c.94G>A on transcript NM_016373.4 (MANE Select); coding-DNA position 94, G replaced by A.
Protein change: p.Val32Ile; replaces valine 32 with isoleucine.
Molecular consequence: missense variant. On other transcripts: 5 prime UTR variant (1), non-coding transcript variant (2).
Genome position (GRCh38, 1-based): chr16:78,099,872, G>A. VCF-style: chr16-78099872-G-A. GRCh37 (hg19) VCF-style: chr16-78133769-G-A.
Other names: c.-181G>A (NM_001291997.2); c.94G>A, p.Val32Ile (NM_130791.5); short protein forms V32I.
Identifiers: ClinVar variation 1057897 (VCV001057897.7), dbSNP rs2031635728, ClinGen allele CA396841924.